The following is an entry in ClinVar:

NM_000127.3(EXT1):c.1696G>T (p.Glu566Ter)

Gene: EXT1 (exostosin glycosyltransferase 1; minus strand). Cytogenetic location: 8q24.11.
Variant type: single nucleotide variant.
Coding change: c.1696G>T on transcript NM_000127.3 (MANE Select); coding-DNA position 1696, G replaced by T.
Protein change: p.Glu566Ter; replaces glutamic acid 566 with a stop codon.
Molecular consequence: nonsense.
Genome position (GRCh38, 1-based): chr8:117,812,898, C>A on the plus strand (G>T on the coding strand, the complement: EXT1 is on the minus strand). VCF-style: chr8-117812898-C-A. GRCh37 (hg19) VCF-style: chr8-118825137-C-A.
Other names: short protein forms E566*.
Identifiers: ClinVar variation 952975 (VCV000952975.9), dbSNP rs1586993117, ClinGen allele CA371880987.
Genomic context (GRCh38, chr8:117,812,898, plus strand): 5'-GCCCACCTGCTGCTCCTCAGGCATGGGTTCTTACCTCTGTTGTTGAAAGCACCGTGTCCT[C>A]GTCAAGGCTGAGCACGGCGTCTGTGATGATGTTGTCGTAGGGCAGAAAACGGCTGCTCAT-3'

ClinVar aggregate classification (germline): Pathogenic (1 of 4 stars; one submission).

Conditions:
Multiple congenital exostosis (EXT). Also called: MULTIPLE CARTILAGINOUS EXOSTOSES; Multiple exostoses; Hereditary multiple exostoses; Hereditary multiple exostosis; Multiple osteochondromas; Hereditary multiple osteochondromas. Identifiers: Orphanet 321, MedGen C0015306, MONDO:0005508, HP:0002762.

Submission:

Labcorp Genetics (formerly Invitae), Labcorp
Classification: Pathogenic for Multiple congenital exostosis. Last evaluated: 2019-06-19. Review status: criteria provided, single submitter. Criteria: Invitae Variant Classification Sherloc (09022015). Collection method: clinical testing. Allele origin: germline.
Comment: For these reasons, this variant has been classified as Pathogenic. Loss-of-function variants in EXT1 are known to be pathogenic (PMID: 10679937, 11391482, 19810120). This variant has been observed in individuals affected with multiple exostoses (PMID: 15586175, 29529714). This variant is not present in population databases (ExAC no frequency). This sequence change creates a premature translational stop signal (p.Glu566*) in the EXT1 gene. It is expected to result in an absent or disrupted protein product.

Literature cited by the submitters: PubMed 10679937; PubMed 11391482; PubMed 19810120; PubMed 15586175; PubMed 29529714.